The following is an entry in ClinVar:

ClinVar aggregate classification (germline): Uncertain significance. Review status: criteria provided, multiple submitters, no conflicts (2 of 4 stars). 2 submissions from 2 submitters: Uncertain significance (2). Last evaluated 2023-09-20.

Conditions:
Inborn genetic diseases. Identifiers: MedGen C0950123, MeSH D030342.
Glycogen storage disease due to muscle beta-enolase deficiency (GSD13). Also called: ENOLASE 3 DEFICIENCY; ENOLASE-BETA DEFICIENCY; GSD XIII; Glycogen Storage Disease Type XIII. Identifiers: Orphanet 99849, MedGen C2752027, MONDO:0013046, OMIM 612932.

Allele frequency attached by ClinVar (database versions not stated): gnomAD exomes below 0.00001; ExAC 0.00001.
gnomAD v4.1: 6 of 1,614,154 alleles (0.00037%); highest among the groups gnomAD compares: East Asian, 0.0022%; no homozygotes.

Submissions (2):

Ambry Genetics
Classification: Uncertain significance for Inborn genetic diseases. Last evaluated: 2023-09-20. Review status: criteria provided, single submitter. Criteria: Ambry Variant Classification Scheme 2023. Collection method: clinical testing. Allele origin: germline.

Labcorp Genetics (formerly Invitae), Labcorp
Classification: Uncertain significance for Glycogen storage disease due to muscle beta-enolase deficiency. Last evaluated: 2022-01-19. Review status: criteria provided, single submitter. Criteria: Invitae Variant Classification Sherloc (09022015). Collection method: clinical testing. Allele origin: germline.
Comment: This sequence change replaces arginine, which is basic and polar, with histidine, which is basic and polar, at codon 400 of the ENO3 protein (p.Arg400His). This variant is present in population databases (rs771921271, gnomAD 0.002%). This variant has not been reported in the literature in individuals affected with ENO3-related conditions. Algorithms developed to predict the effect of missense changes on protein structure and function are either unavailable or do not agree on the potential impact of this missense change (SIFT: "Deleterious"; PolyPhen-2: "Probably Damaging"; Align-GVGD: "Class C0"). In summary, the available evidence is currently insufficient to determine the role of this variant in disease. Therefore, it has been classified as a Variant of Uncertain Significance.

NM_053013.4(ENO3):c.1199G>A (p.Arg400His)

Gene: ENO3 (enolase 3; plus strand). Cytogenetic location: 17p13.2.
Variant type: single nucleotide variant.
Coding change: c.1199G>A on transcript NM_053013.4 (MANE Select); coding-DNA position 1199, G replaced by A.
Protein change: p.Arg400His; replaces arginine 400 with histidine.
Molecular consequence: missense variant.
Genome position (GRCh38, 1-based): chr17:4,956,853, G>A. VCF-style: chr17-4956853-G-A. GRCh37 (hg19) VCF-style: chr17-4860148-G-A.
Other names: c.1070G>A, p.Arg357His (NM_001193503.2); c.1199G>A, p.Arg400His (NM_001374523.1, NM_001976.5); c.1226G>A, p.Arg409His (NM_001374524.1); c.1199G>A (NM_053013.3); short protein forms R400H, R357H, R409H.
Identifiers: ClinVar variation 2201750 (VCV002201750.2), dbSNP rs771921271, ClinGen allele CA8316602.